The following is an entry in ClinVar:

ClinVar aggregate classification (germline): Uncertain significance. Review status: criteria provided, multiple submitters, no conflicts (2 of 4 stars). 2 submissions from 2 submitters: Uncertain significance (2). Last evaluated 2021-10-20.

Conditions:
Hereditary cancer-predisposing syndrome. Also called: Hereditary Cancer Syndrome; Hereditary neoplastic syndrome; Tumor predisposition; Neoplastic Syndromes, Hereditary. Identifiers: Orphanet 140162, MedGen C0027672, MeSH D009386, MONDO:0015356.
Ataxia-telangiectasia-like disorder (ATLD). Identifiers: MedGen C1858391, MONDO:0011457.

Submissions (2):

Ambry Genetics
Classification: Uncertain significance for Hereditary cancer-predisposing syndrome. Last evaluated: 2021-10-20. Review status: criteria provided, single submitter. Criteria: Ambry Variant Classification Scheme 2023. Collection method: clinical testing. Allele origin: germline.
Comment: The p.G589E variant (also known as c.1766G>A), located in coding exon 14 of the MRE11A gene, results from a G to A substitution at nucleotide position 1766. The glycine at codon 589 is replaced by glutamic acid, an amino acid with similar properties. This amino acid position is conserved. In addition, this alteration is predicted to be tolerated by in silico analysis. Since supporting evidence is limited at this time, the clinical significance of this alteration remains unclear.

Labcorp Genetics (formerly Invitae), Labcorp
Classification: Uncertain significance for Ataxia-telangiectasia-like disorder. Last evaluated: 2019-11-25. Review status: criteria provided, single submitter. Criteria: Invitae Variant Classification Sherloc (09022015). Collection method: clinical testing. Allele origin: germline.
Comment: In summary, the available evidence is currently insufficient to determine the role of this variant in disease. Therefore, it has been classified as a Variant of Uncertain Significance. Algorithms developed to predict the effect of missense changes on protein structure and function output the following: SIFT: "Tolerated"; PolyPhen-2: "Benign"; Align-GVGD: "Class C0". The glutamic acid amino acid residue is found in multiple mammalian species, suggesting that this missense change does not adversely affect protein function. These predictions have not been confirmed by published functional studies and their clinical significance is uncertain. This variant has not been reported in the literature in individuals with MRE11-related conditions. This variant is not present in population databases (ExAC no frequency). This sequence change replaces glycine with glutamic acid at codon 589 of the MRE11 protein (p.Gly589Glu). The glycine residue is weakly conserved and there is a moderate physicochemical difference between glycine and glutamic acid.

NM_005591.4(MRE11):c.1766G>A (p.Gly589Glu)

Gene: MRE11 (MRE11 double strand break repair nuclease; minus strand). Cytogenetic location: 11q21.
Variant type: single nucleotide variant.
Coding change: c.1766G>A on transcript NM_005591.4 (MANE Select); coding-DNA position 1766, G replaced by A.
Protein change: p.Gly589Glu; replaces glycine 589 with glutamic acid.
Molecular consequence: missense variant.
Genome position (GRCh38, 1-based): chr11:94,447,236, C>T on the plus strand (G>A on the coding strand, the complement: MRE11 is on the minus strand). VCF-style: chr11-94447236-C-T. GRCh37 (hg19) VCF-style: chr11-94180402-C-T.
Other names: c.1766G>A, p.Gly589Glu (NM_001330347.2, NM_005590.4); short protein forms G589E.
Identifiers: ClinVar variation 841254 (VCV000841254.12), dbSNP rs1945958943, ClinGen allele CA382368083.